The following is an entry in ClinVar:

ClinVar aggregate classification (germline): Uncertain significance. Review status: criteria provided, multiple submitters, no conflicts (2 of 4 stars). 3 submissions from 3 submitters: Uncertain significance (2). 1 of the submissions does not count toward it. Last evaluated 2022-08-26.

Conditions:
Inborn genetic diseases. Identifiers: MedGen C0950123, MeSH D030342.
Neuronal ceroid lipofuscinosis. Also called: Neuronal Ceroid Lipofuscinoses. Identifiers: Orphanet 216, Orphanet 79263, MedGen C0027877, MONDO:0016295. Disease mechanism: loss of function.

Allele frequency attached by ClinVar (database versions not stated): ExAC below 0.00001; gnomAD 0.00001; gnomAD exomes 0.00001; TOPMed 0.00002; ESP Exome Variant Server 0.00008.
gnomAD v4.1: 16 of 1,580,988 alleles (0.001%); highest among the groups gnomAD compares: Non-Finnish European, 0.0014%; no homozygotes.

Submissions (3):

Ambry Genetics
Classification: Uncertain significance for Inborn genetic diseases. Last evaluated: 2022-08-26. Review status: criteria provided, single submitter. Criteria: Ambry Variant Classification Scheme 2023. Collection method: clinical testing. Allele origin: germline.

Labcorp Genetics (formerly Invitae), Labcorp
Classification: Uncertain significance for Neuronal ceroid lipofuscinosis. Last evaluated: 2022-04-09. Review status: criteria provided, single submitter. Criteria: Invitae Variant Classification Sherloc (09022015). Collection method: clinical testing. Allele origin: germline.
Comment: This sequence change replaces arginine, which is basic and polar, with serine, which is neutral and polar, at codon 100 of the CLN5 protein (p.Arg100Ser). The frequency data for this variant in the population databases is considered unreliable, as metrics indicate poor data quality at this position in the gnomAD database. This variant has not been reported in the literature in individuals affected with CLN5-related conditions. ClinVar contains an entry for this variant (Variation ID: 1010863). Algorithms developed to predict the effect of missense changes on protein structure and function (SIFT, PolyPhen-2, Align-GVGD) all suggest that this variant is likely to be tolerated. In summary, the available evidence is currently insufficient to determine the role of this variant in disease. Therefore, it has been classified as a Variant of Uncertain Significance.

Natera, Inc.
Classification: Uncertain significance for Neuronal ceroid lipofuscinosis. Last evaluated: 2021-07-20. Review status: no assertion criteria provided. Collection method: clinical testing. Allele origin: germline. Not counted in ClinVar's aggregate classification.

NM_006493.4(CLN5):c.151C>A (p.Arg51Ser)

Genes: CLN5 (CLN5 lysosomal BMP synthase; plus strand), LOC130009913 (ATAC-STARR-seq lymphoblastoid silent region 5414; plus strand). Cytogenetic location: 13q22.3.
Variant type: single nucleotide variant.
Coding change: c.151C>A on transcript NM_006493.4 (MANE Select); coding-DNA position 151, C replaced by A.
Protein change: p.Arg51Ser; replaces arginine 51 with serine.
Molecular consequence: missense variant.
Genome position (GRCh38, 1-based): chr13:76,992,249, C>A. VCF-style: chr13-76992249-C-A. GRCh37 (hg19) VCF-style: chr13-77566384-C-A.
Other names: c.298C>A (NM_006493.2); c.151C>A, p.Arg51Ser (NM_001366624.2); short protein forms R51S.
Identifiers: ClinVar variation 1010863 (VCV001010863.11), dbSNP rs374080049, ClinGen allele CA7007138.
Genomic context (GRCh38, chr13:76,992,249, plus strand): 5'-GCGCTGCTTTGGCTCGCGGTGGTTCCGGGCTGGTCCCGGGTCTCGGGCATCCCCTCCCGG[C>A]GCCACTGGCCGGTGCCCTACAAGTGAGTGCGGCGGCGCGCGCACTGTCGGGGTTGGGGTC-3'
Protein context (NP_006484.2, residues 41-61): WSRVSGIPSR[Arg51Ser]HWPVPYKRFD